The following is an entry in ClinVar:

ClinVar aggregate classification (germline): Uncertain significance (1 of 4 stars; one submission).

Conditions:
Hajdu-Cheney syndrome (HJCYS). Also called: Acroosteolysis dominant type; SERPENTINE FIBULA-POLYCYSTIC KIDNEY SYNDROME; ACROOSTEOLYSIS WITH OSTEOPOROSIS AND CHANGES IN SKULL AND MANDIBLE. Identifiers: Orphanet 955, MedGen C0917715, MONDO:0007057, OMIM 102500.

Allele frequency attached by ClinVar (database versions not stated): gnomAD exomes below 0.00001; TOPMed 0.00002; gnomAD 0.00003.
gnomAD v4.1: 9 of 1,610,538 alleles (0.00056%); highest among the groups gnomAD compares: African/African-American, 0.0067%; no homozygotes.

Submission:

Labcorp Genetics (formerly Invitae), Labcorp
Classification: Uncertain significance for Hajdu-Cheney syndrome. Last evaluated: 2023-12-10. Review status: criteria provided, single submitter. Criteria: Invitae Variant Classification Sherloc (09022015). Collection method: clinical testing. Allele origin: germline.
Comment: This sequence change replaces arginine, which is basic and polar, with cysteine, which is neutral and slightly polar, at codon 665 of the NOTCH2 protein (p.Arg665Cys). This variant is present in population databases (no rsID available, gnomAD 0.02%). This variant has not been reported in the literature in individuals affected with NOTCH2-related conditions. Advanced modeling of protein sequence and biophysical properties (such as structural, functional, and spatial information, amino acid conservation, physicochemical variation, residue mobility, and thermodynamic stability) performed at Invitae indicates that this missense variant is not expected to disrupt NOTCH2 protein function with a negative predictive value of 80%. In summary, the available evidence is currently insufficient to determine the role of this variant in disease. Therefore, it has been classified as a Variant of Uncertain Significance.

NM_024408.4(NOTCH2):c.1993C>T (p.Arg665Cys)

Gene: NOTCH2 (notch receptor 2; minus strand). Cytogenetic location: 1p12.
Variant type: single nucleotide variant.
Coding change: c.1993C>T on transcript NM_024408.4 (MANE Select); coding-DNA position 1993, C replaced by T.
Protein change: p.Arg665Cys; replaces arginine 665 with cysteine.
Molecular consequence: missense variant.
Genome position (GRCh38, 1-based): chr1:119,959,425, G>A on the plus strand (C>T on the coding strand, the complement: NOTCH2 is on the minus strand). VCF-style: chr1-119959425-G-A. GRCh37 (hg19) VCF-style: chr1-120502048-G-A.
Other names: c.1993C>T, p.Arg665Cys (NM_001200001.2); short protein forms R665C.
Identifiers: ClinVar variation 2913628 (VCV002913628.3), dbSNP rs1352414422, ClinGen allele CA341869236.
Genomic context (GRCh38, chr1:119,959,425, plus strand): 5'-GGGGCCTTGCAGTAAAAGGAGCTTTACCTGTGAATCCTGGTGAGCAGACACAACTGTAGC[G>A]ATTAATGCCATCCATACAGATTCCATGGATACAAGGGTTACTTGCACAGTCATCAAAATT-3'
Protein context (NP_077719.2, residues 655-675): IHGICMDGIN[Arg665Cys]YSCVCSPGFT